The following is an entry in ClinVar:

NM_001177316.2(SLC34A3):c.947C>T (p.Thr316Met)

Gene: SLC34A3 (solute carrier family 34 member 3; plus strand). Cytogenetic location: 9q34.3.
Variant type: single nucleotide variant.
Coding change: c.947C>T on transcript NM_001177316.2 (MANE Select); coding-DNA position 947, C replaced by T.
Protein change: p.Thr316Met; replaces threonine 316 with methionine.
Molecular consequence: missense variant.
Genome position (GRCh38, 1-based): chr9:137,234,130, C>T. VCF-style: chr9-137234130-C-T. GRCh37 (hg19) VCF-style: chr9-140128582-C-T.
Other names: c.947C>T, p.Thr316Met (NM_080877.3, NM_001177317.2); c.947C>T (NM_080877.2); short protein forms T316M.
Identifiers: ClinVar variation 2070652 (VCV002070652.3), dbSNP rs781170265, ClinGen allele CA5364708.
Genomic context (GRCh38, chr9:137,234,130, plus strand): 5'-CCCCAGGCTCCCCCTCACCTGCCCCTGCCCTGCCCCCAGGCCGCCACCTGTTTGCGGGCA[C>T]GGAGCTCACGGACCTGGCCGTGGGCTGCATCCTGCTGGCCGGCTCCCTGCTGGTGCTCTG-3'
Protein context (NP_001170787.2, residues 306-326): RLPCRHLFAG[Thr316Met]ELTDLAVGCI

ClinVar aggregate classification (germline): Uncertain significance. Review status: criteria provided, multiple submitters, no conflicts (2 of 4 stars). 3 submissions from 3 submitters: Uncertain significance (3). Last evaluated 2024-01-29.

Conditions:
Autosomal recessive hypophosphatemic bone disease (HHRH). Also called: Hypophosphatemic rickets with hypercalciuria; HYPERCALCIURIC RICKETS. Identifiers: Orphanet 157215, MedGen C1853271, MONDO:0009431, OMIM 241530.

Allele frequency attached by ClinVar (database versions not stated): gnomAD 0.00003; TOPMed 0.00006; ExAC 0.00032.
gnomAD v4.1: 89 of 1,592,588 alleles (0.0056%); highest among the groups gnomAD compares: Admixed American, 0.061%; no homozygotes.

Submissions (3):

Fulgent Genetics
Classification: Uncertain significance for Autosomal recessive hypophosphatemic bone disease. Last evaluated: 2024-01-29. Review status: criteria provided, single submitter. Criteria: ACMG Guidelines, 2015. Collection method: clinical testing. Allele origin: germline.

Blueprint Genetics
Classification: Uncertain significance. Last evaluated: 2023-09-18. Review status: criteria provided, single submitter. Criteria: ACMG Guidelines, 2015. Collection method: clinical testing. Allele origin: germline.

Labcorp Genetics (formerly Invitae), Labcorp
Classification: Uncertain significance. Last evaluated: 2022-08-06. Review status: criteria provided, single submitter. Criteria: Invitae Variant Classification Sherloc (09022015). Collection method: clinical testing. Allele origin: germline.
Comment: This sequence change replaces threonine, which is neutral and polar, with methionine, which is neutral and non-polar, at codon 316 of the SLC34A3 protein (p.Thr316Met). This variant is present in population databases (rs781170265, gnomAD 0.09%). This variant has not been reported in the literature in individuals affected with SLC34A3-related conditions. Algorithms developed to predict the effect of missense changes on protein structure and function are either unavailable or do not agree on the potential impact of this missense change (SIFT: "Deleterious"; PolyPhen-2: "Possibly Damaging"; Align-GVGD: "Class C15"). In summary, the available evidence is currently insufficient to determine the role of this variant in disease. Therefore, it has been classified as a Variant of Uncertain Significance.